The following is an entry in ClinVar:

NM_015634.4(KIFBP):c.1848C>A (p.Thr616=)

Gene: KIFBP (kinesin family binding protein; plus strand). Cytogenetic location: 10q22.1.
Variant type: single nucleotide variant.
Coding change: c.1848C>A on transcript NM_015634.4 (MANE Select); coding-DNA position 1848, C replaced by A.
Protein change: p.Thr616=; no amino-acid change (threonine 616 retained).
Molecular consequence: synonymous variant.
Genome position (GRCh38, 1-based): chr10:69,016,398, C>A. VCF-style: chr10-69016398-C-A. GRCh37 (hg19) VCF-style: chr10-70776154-C-A.
Identifiers: ClinVar variation 877723 (VCV000877723.11), dbSNP rs371537907, ClinGen allele CA5529949.

ClinVar aggregate classification (germline): Conflicting classifications of pathogenicity. Review status: criteria provided, conflicting classifications (1 of 4 stars). 2 submissions from 2 submitters: Uncertain significance (1); Likely benign (1). Last evaluated 2025-09-01.

Conditions:
Goldberg-Shprintzen syndrome. Identifiers: Orphanet 66629, MedGen C1836123, MONDO:0012280, OMIM 609460.

Allele frequency attached by ClinVar (database versions not stated): gnomAD 0.00003; TOPMed 0.00004.
gnomAD v4.1: 90 of 1,613,882 alleles (0.0056%); highest among the groups gnomAD compares: Non-Finnish European, 0.0072%; no homozygotes.

Submissions (2):

CeGaT Center for Human Genetics Tuebingen
Classification: Likely benign. Last evaluated: 2025-09-01. Review status: criteria provided, single submitter. Criteria: CeGaT Center For Human Genetics Tuebingen Variant Classification Criteria Version 2. Collection method: clinical testing. Allele origin: germline. Affected: yes. Observed: 1 variant allele.
Comment: KIFBP: BP4, BP7

Illumina Laboratory Services, Illumina
Classification: Uncertain significance for Goldberg-Shprintzen syndrome. Last evaluated: 2018-01-13. Review status: criteria provided, single submitter. Criteria: ICSL Variant Classification Criteria 13 December 2019. Collection method: clinical testing. Allele origin: germline.